The following is an entry in ClinVar:

NM_006514.4(SCN10A):c.4119G>T (p.Met1373Ile)

Gene: SCN10A (sodium voltage-gated channel alpha subunit 10; minus strand). Cytogenetic location: 3p22.2.
Variant type: single nucleotide variant.
Coding change: c.4119G>T on transcript NM_006514.4 (MANE Select); coding-DNA position 4119, G replaced by T.
Protein change: p.Met1373Ile; replaces methionine 1373 with isoleucine.
Molecular consequence: missense variant.
Genome position (GRCh38, 1-based): chr3:38,710,868, C>A on the plus strand (G>T on the coding strand, the complement: SCN10A is on the minus strand). VCF-style: chr3-38710868-C-A. GRCh37 (hg19) VCF-style: chr3-38752359-C-A.
Other names: c.4116G>T, p.Met1372Ile (NM_001293306.2); c.3825G>T, p.Met1275Ile (NM_001293307.2); short protein forms M1372I, M1275I, M1373I.
Identifiers: ClinVar variation 4781951 (VCV004781951.1).

ClinVar aggregate classification (germline): Uncertain significance (1 of 4 stars; one submission).

Conditions:
Brugada syndrome. Also called: Sudden unexpected nocturnal death syndrome; Sudden Unexplained Death Syndrome; Sudden Unexplained Nocturnal Death Syndrome (SUNDS); Sudden unexplained nocturnal death syndrome. Identifiers: Orphanet 130, MedGen C1142166, MONDO:0015263.

Submission:

Labcorp Genetics (formerly Invitae), Labcorp
Classification: Uncertain significance for Brugada syndrome. Last evaluated: 2025-10-13. Review status: criteria provided, single submitter. Criteria: Invitae Variant Classification Sherloc (09022015). Collection method: clinical testing. Allele origin: germline.
Comment: This sequence change replaces methionine, which is neutral and non-polar, with isoleucine, which is neutral and non-polar, at codon 1373 of the SCN10A protein (p.Met1373Ile). This variant is not present in population databases (gnomAD no frequency). This variant has not been reported in the literature in individuals affected with SCN10A-related conditions. Invitae Evidence Modeling of protein sequence and biophysical properties (such as structural, functional, and spatial information, amino acid conservation, physicochemical variation, residue mobility, and thermodynamic stability) indicates that this missense variant is expected to disrupt SCN10A protein function with a positive predictive value of 95%. In summary, the available evidence is currently insufficient to determine the role of this variant in disease. Therefore, it has been classified as a Variant of Uncertain Significance.